The following is an entry in ClinVar:

NM_000078.3(CETP):c.1418T>A (p.Leu473Gln)

Gene: CETP (cholesteryl ester transfer protein; plus strand). Cytogenetic location: 16q13.
Variant type: single nucleotide variant.
Coding change: c.1418T>A on transcript NM_000078.3 (MANE Select); coding-DNA position 1418, T replaced by A.
Protein change: p.Leu473Gln; replaces leucine 473 with glutamine.
Molecular consequence: missense variant.
Genome position (GRCh38, 1-based): chr16:56,983,602, T>A. VCF-style: chr16-56983602-T-A. GRCh37 (hg19) VCF-style: chr16-57017514-T-A.
Other names: c.1238T>A, p.Leu413Gln (NM_001286085.2); short protein forms L473Q, L413Q.
Identifiers: ClinVar variation 1951991 (VCV001951991.5), dbSNP rs781078207, ClinGen allele CA8071411.

ClinVar aggregate classification (germline): Uncertain significance (1 of 4 stars; one submission).

Allele frequency attached by ClinVar (database versions not stated): gnomAD 0.00001; ExAC 0.00002; gnomAD exomes 0.00002.

Submission:

Labcorp Genetics (formerly Invitae), Labcorp
Classification: Uncertain significance. Last evaluated: 2022-10-25. Review status: criteria provided, single submitter. Criteria: Invitae Variant Classification Sherloc (09022015). Collection method: clinical testing. Allele origin: germline.
Comment: This sequence change replaces leucine, which is neutral and non-polar, with glutamine, which is neutral and polar, at codon 473 of the CETP protein (p.Leu473Gln). This variant is present in population databases (rs781078207, gnomAD 0.02%). This variant has not been reported in the literature in individuals affected with CETP-related conditions. Advanced modeling of protein sequence and biophysical properties (such as structural, functional, and spatial information, amino acid conservation, physicochemical variation, residue mobility, and thermodynamic stability) performed at Invitae indicates that this missense variant is expected to disrupt CETP protein function. In summary, the available evidence is currently insufficient to determine the role of this variant in disease. Therefore, it has been classified as a Variant of Uncertain Significance.